The following is an entry in ClinVar:

ClinVar aggregate classification (germline): Likely benign (1 of 4 stars; one submission).

gnomAD v4.1: 5,864 of 1,513,852 alleles (0.39%); highest among the groups gnomAD compares: Non-Finnish European, 0.49%; 15 homozygotes.

Submission:

CeGaT Center for Human Genetics Tuebingen
Classification: Likely benign. Last evaluated: 2024-11-01. Review status: criteria provided, single submitter. Criteria: CeGaT Center For Human Genetics Tuebingen Variant Classification Criteria Version 2. Collection method: clinical testing. Allele origin: germline. Affected: yes. Observed: 1 variant allele.
Comment: EPHB4: BS2

NM_004444.5(EPHB4):c.1423-34G>A

Gene: EPHB4 (EPH receptor B4; minus strand). Cytogenetic location: 7q22.1.
Variant type: single nucleotide variant.
Coding change: c.1423-34G>A on transcript NM_004444.5 (MANE Select); 34 bases into the intron before coding-DNA position 1423, G replaced by A.
Molecular consequence: intron variant.
Genome position (GRCh38, 1-based): chr7:100,817,391, C>T on the plus strand (G>A on the coding strand, the complement: EPHB4 is on the minus strand). VCF-style: chr7-100817391-C-T. GRCh37 (hg19) VCF-style: chr7-100415013-C-T.
Identifiers: ClinVar variation 3387948 (VCV003387948.14).
Genomic context (GRCh38, chr7:100,817,391, plus strand): 5'-CCGCACGCTGCTGGGACCCTCGGCGCCCTGTCCGGGAGAGGTAGTGGGGTGGCCGTCACC[C>T]GGGAACCCAAGTTCCTGTTGCTCTTCCTGCCTCCTTCCCTCGCCCTCCACTCCCATCACT-3'